The following is an entry in ClinVar:

ClinVar aggregate classification (germline): Uncertain significance (1 of 4 stars; one submission).

Allele frequency attached by ClinVar (database versions not stated): gnomAD exomes below 0.00001.
gnomAD v4.1: 2 of 1,613,496 alleles (0.00012%); highest among the groups gnomAD compares: Non-Finnish European, 0.00017%; no homozygotes.

Submission:

Labcorp Genetics (formerly Invitae), Labcorp
Classification: Uncertain significance. Last evaluated: 2021-12-19. Review status: criteria provided, single submitter. Criteria: Invitae Variant Classification Sherloc (09022015). Collection method: clinical testing. Allele origin: germline.
Comment: This sequence change replaces valine, which is neutral and non-polar, with isoleucine, which is neutral and non-polar, at codon 290 of the COL11A1 protein (p.Val290Ile). This variant is not present in population databases (gnomAD no frequency). This variant has not been reported in the literature in individuals affected with COL11A1-related conditions. Advanced modeling of protein sequence and biophysical properties (such as structural, functional, and spatial information, amino acid conservation, physicochemical variation, residue mobility, and thermodynamic stability) performed at Invitae indicates that this missense variant is not expected to disrupt COL11A1 protein function. In summary, the available evidence is currently insufficient to determine the role of this variant in disease. Therefore, it has been classified as a Variant of Uncertain Significance.

NM_001854.4(COL11A1):c.868G>A (p.Val290Ile)

Gene: COL11A1 (collagen type XI alpha 1 chain; minus strand). Cytogenetic location: 1p21.1.
Variant type: single nucleotide variant.
Coding change: c.868G>A on transcript NM_001854.4 (MANE Select); coding-DNA position 868, G replaced by A.
Protein change: p.Val290Ile; replaces valine 290 with isoleucine.
Molecular consequence: missense variant. On other transcripts: non-coding transcript variant (1), intron variant (2).
Genome position (GRCh38, 1-based): chr1:103,026,245, C>T on the plus strand (G>A on the coding strand, the complement: COL11A1 is on the minus strand). VCF-style: chr1-103026245-C-T. GRCh37 (hg19) VCF-style: chr1-103491801-C-T.
Other names: c.868G>A, p.Val290Ile (NM_001168249.1, NM_080630.4); c.781-632G>A (NM_001190709.2); c.781-293G>A (NM_080629.3); short protein forms V290I.
Identifiers: ClinVar variation 1981525 (VCV001981525.4), dbSNP rs1667505056, ClinGen allele CA341157010.
Genomic context (GRCh38, chr1:103,026,245, plus strand): 5'-ACCACATACACAGGCACTGCTTTGTTTTTACCTCCGTCTGTGCTATTGTCTCCTCAGTTA[C>T]AGTGGGTCCCTCTGTTACACTTTCAGCCTCTTTATACTCTGCTTCCCCATACTCATAGTC-3'
Protein context (NP_001845.3, residues 280-300): EAESVTEGPT[Val290Ile]TEETIAQTEA